The following is an entry in ClinVar:

NM_016180.5(SLC45A2):c.1032G>T (p.Gln344His)

Gene: SLC45A2 (solute carrier family 45 member 2; minus strand). Cytogenetic location: 5p13.2.
Variant type: single nucleotide variant.
Coding change: c.1032G>T on transcript NM_016180.5 (MANE Select); coding-DNA position 1032, G replaced by T.
Protein change: p.Gln344His; replaces glutamine 344 with histidine.
Molecular consequence: missense variant.
Genome position (GRCh38, 1-based): chr5:33,954,361, C>A on the plus strand (G>T on the coding strand, the complement: SLC45A2 is on the minus strand). VCF-style: chr5-33954361-C-A. GRCh37 (hg19) VCF-style: chr5-33954466-C-A.
Other names: c.1032G>T, p.Gln344His (NM_001012509.4); c.706G>T, p.Asp236Tyr (NM_001297417.4); short protein forms Q344H, D236Y.
Identifiers: ClinVar variation 197308 (VCV000197308.11), dbSNP rs794727645, ClinGen allele CA245358.
Genomic context (GRCh38, chr5:33,954,361, plus strand): 5'-CAGGTGTTAATGGAGGAAATGATGTGTAACAGTGATTGTGTGCACAGACACGTTCATTAC[C>A]TGGCCCATGAAATCTGTGAAGAACAGCATGTTGGACAGGAAGGCTGTCCATCCAATGAGG-3'
Protein context (NP_057264.4, residues 334-354): NMLFFTDFMG[Gln344His]IVYRGDPYSA

ClinVar aggregate classification (germline): Pathogenic/Likely pathogenic. Review status: criteria provided, multiple submitters, no conflicts (2 of 4 stars). 3 submissions from 3 submitters: Pathogenic (1); Likely pathogenic (1). 1 of the submissions does not count toward it. Last evaluated 2024-05-17.

Conditions:
SKIN/HAIR/EYE PIGMENTATION 5, BLACK/NONBLACK HAIR (SHEP5). Also called: SKIN/HAIR/EYE PIGMENTATION 5, DARK/FAIR SKIN; SKIN/HAIR/EYE PIGMENTATION 5, DARK/LIGHT EYES; SKIN/HAIR/EYE PIGMENTATION, VARIATION IN, 5. Identifiers: MedGen C2673584, OMIM 227240.
Oculocutaneous albinism type 4 (OCA4). Also called: Albinism, oculocutaneous, type IV. Identifiers: Orphanet 79435, MedGen C1847836, MONDO:0011683, OMIM 606574.

Allele frequency attached by ClinVar (database versions not stated): gnomAD exomes 0.00001 and 0.00002; TOPMed 0.00001; gnomAD 0.00001.
gnomAD v4.1: 32 of 1,613,876 alleles (0.002%); highest among the groups gnomAD compares: Non-Finnish European, 0.0027%; no homozygotes.

Submissions (3):

Fulgent Genetics
Classification: Likely pathogenic for SKIN/HAIR/EYE PIGMENTATION 5, BLACK/NONBLACK HAIR; Oculocutaneous albinism type 4. Last evaluated: 2024-05-17. Review status: criteria provided, single submitter. Criteria: ACMG Guidelines, 2015. Collection method: clinical testing. Allele origin: germline.

Labcorp Genetics (formerly Invitae), Labcorp
Classification: Pathogenic. Last evaluated: 2024-02-14. Review status: criteria provided, single submitter. Criteria: Invitae Variant Classification Sherloc (09022015). Collection method: clinical testing. Allele origin: germline.
Comment: This sequence change replaces glutamine, which is neutral and polar, with histidine, which is basic and polar, at codon 344 of the SLC45A2 protein (p.Gln344His). This variant also falls at the last nucleotide of exon 4, which is part of the consensus splice site for this exon. This variant is present in population databases (rs794727645, gnomAD 0.003%). This missense change has been observed in individual(s) with ocular albinism (PMID: 24118800, 29345414). In at least one individual the data is consistent with being in trans (on the opposite chromosome) from a pathogenic variant. ClinVar contains an entry for this variant (Variation ID: 197308). An algorithm developed to predict the effect of missense changes on protein structure and function (PolyPhen-2) suggests that this variant is likely to be disruptive. Variants that disrupt the consensus splice site are a relatively common cause of aberrant splicing (PMID: 17576681, 9536098). Algorithms developed to predict the effect of sequence changes on RNA splicing suggest that this variant may disrupt the consensus splice site. For these reasons, this variant has been classified as Pathogenic.

Eurofins Ntd Llc (ga)
Classification: Uncertain significance. Last evaluated: 2015-03-20. Review status: flagged submission. Criteria: EGL Classification Definitions 2015. Collection method: clinical testing. Allele origin: germline. Observed: 1 variant allele, 1 heterozygote. Not counted in ClinVar's aggregate classification.
ClinVar note: Reason: Older claim that does not account for recent evidence

Literature cited by the submitters: PubMed 24118800 (cited by Labcorp Genetics (formerly Invitae), Labcorp); PubMed 29345414 (cited by Labcorp Genetics (formerly Invitae), Labcorp); PubMed 17576681 (cited by Labcorp Genetics (formerly Invitae), Labcorp); PubMed 9536098 (cited by Labcorp Genetics (formerly Invitae), Labcorp).